The following is an entry in ClinVar:

NM_004655.4(AXIN2):c.322T>G (p.Leu108Val)

Gene: AXIN2 (axin 2; minus strand). Cytogenetic location: 17q24.1.
Variant type: single nucleotide variant.
Coding change: c.322T>G on transcript NM_004655.4 (MANE Select); coding-DNA position 322, T replaced by G.
Protein change: p.Leu108Val; replaces leucine 108 with valine.
Molecular consequence: missense variant.
Genome position (GRCh38, 1-based): chr17:65,558,299, A>C on the plus strand (T>G on the coding strand, the complement: AXIN2 is on the minus strand). VCF-style: chr17-65558299-A-C. GRCh37 (hg19) VCF-style: chr17-63554417-A-C.
Other names: c.322T>G (LRG_296t1); c.322T>G, p.Leu108Val (NM_001363813.1); short protein forms L108V.
Identifiers: ClinVar variation 533232 (VCV000533232.8), dbSNP rs112058150, ClinGen allele CA400681657.
Genomic context (GRCh38, chr17:65,558,299, plus strand): 5'-AAGTTTTGGTATCCTTCAGGTTCATCTGCCTGAATCCATTGCAGGCAAACCAGAAGTCTA[A>C]GGTATCCACGCATTTCTCCCTCTCCAGGAAAGTTCGGAACAGGTAAGCACCGTCTTGATC-3'
Protein context (NP_004646.3, residues 98-118): FLEREKCVDT[Leu108Val]DFWFACNGFR

ClinVar aggregate classification (germline): Uncertain significance (1 of 4 stars; one submission).

Conditions:
Oligodontia-cancer predisposition syndrome. Also called: TOOTH AGENESIS-COLORECTAL CANCER SYNDROME. Identifiers: Orphanet 300576, MedGen C1837750, MONDO:0012075, OMIM 608615. Disease mechanism: loss of function.

Submission:

Labcorp Genetics (formerly Invitae), Labcorp
Classification: Uncertain significance for Oligodontia-cancer predisposition syndrome. Last evaluated: 2022-05-07. Review status: criteria provided, single submitter. Criteria: Invitae Variant Classification Sherloc (09022015). Collection method: clinical testing. Allele origin: germline.
Comment: In summary, the available evidence is currently insufficient to determine the role of this variant in disease. Therefore, it has been classified as a Variant of Uncertain Significance. Algorithms developed to predict the effect of missense changes on protein structure and function (SIFT, PolyPhen-2, Align-GVGD) all suggest that this variant is likely to be disruptive. ClinVar contains an entry for this variant (Variation ID: 533232). This variant has not been reported in the literature in individuals affected with AXIN2-related conditions. This variant is not present in population databases (gnomAD no frequency). This sequence change replaces leucine, which is neutral and non-polar, with valine, which is neutral and non-polar, at codon 108 of the AXIN2 protein (p.Leu108Val).